The following is an entry in ClinVar:

NM_003153.5(STAT6):c.2259T>C (p.Ala753=)

Gene: STAT6 (signal transducer and activator of transcription 6; minus strand). Cytogenetic location: 12q13.3.
Variant type: single nucleotide variant.
Coding change: c.2259T>C on transcript NM_003153.5 (MANE Select); coding-DNA position 2259, T replaced by C.
Protein change: p.Ala753=; no amino-acid change (alanine 753 retained).
Molecular consequence: synonymous variant. On other transcripts: non-coding transcript variant (1).
Genome position (GRCh38, 1-based): chr12:57,096,945, A>G on the plus strand (T>C on the coding strand, the complement: STAT6 is on the minus strand). VCF-style: chr12-57096945-A-G. GRCh37 (hg19) VCF-style: chr12-57490728-A-G.
Other names: c.2259T>C, p.Ala753= (NM_001178078.2, NM_001178079.2); c.1929T>C, p.Ala643= (NM_001178080.2, NM_001178081.2).
Identifiers: ClinVar variation 2643109 (VCV002643109.24), dbSNP rs138011454, ClinGen allele CA6641419.
Genomic context (GRCh38, chr12:57,096,945, plus strand): 5'-CAGGCAGCTGTCTTCCACCATGGTCACATCTGAGCAGAGCAGGGGGTCAGGGCTGGACAC[A>G]GCATGCTCCTGAGGCTGGCACGGCAGCAGGCCCCTGCCAGGAACCAGCAATGGAAATAAG-3'
Protein context (NP_003144.3, residues 743-763): GLLPCQPQEH[Ala753=]VSSPDPLLCS

ClinVar aggregate classification (germline): Likely benign (1 of 4 stars; one submission).

Allele frequency attached by ClinVar (database versions not stated): TOPMed 0.00013; 1000 Genomes Project 30x 0.00016; 1000 Genomes Project 0.00020; ESP Exome Variant Server 0.00038; gnomAD exomes 0.00050; gnomAD 0.00068; ExAC 0.00073.
gnomAD v4.1: 823 of 1,614,074 alleles (0.051%); highest among the groups gnomAD compares: Non-Finnish European, 0.028%; 1 homozygote.

Submission:

CeGaT Center for Human Genetics Tuebingen
Classification: Likely benign. Last evaluated: 2023-03-01. Review status: criteria provided, single submitter. Criteria: CeGaT Center For Human Genetics Tuebingen Variant Classification Criteria Version 2. Collection method: clinical testing. Allele origin: germline. Affected: yes. Observed: 1 variant allele.
Comment: STAT6: BP4, BP7